The following is an entry in ClinVar:

NM_000368.5(TSC1):c.2127G>C (p.Arg709Ser)

Gene: TSC1 (TSC complex subunit 1; minus strand). Cytogenetic location: 9q34.13.
Variant type: single nucleotide variant.
Coding change: c.2127G>C on transcript NM_000368.5 (MANE Select); coding-DNA position 2127, G replaced by C.
Protein change: p.Arg709Ser; replaces arginine 709 with serine.
Molecular consequence: missense variant.
Genome position (GRCh38, 1-based): chr9:132,903,732, C>G on the plus strand (G>C on the coding strand, the complement: TSC1 is on the minus strand). VCF-style: chr9-132903732-C-G. GRCh37 (hg19) VCF-style: chr9-135779119-C-G.
Other names: c.1971G>C, p.Arg657Ser (NM_001406611.1, NM_001406612.1, NM_001406613.1); c.1764G>C, p.Arg588Ser (NM_001406614.1, NM_001406615.1, NM_001406616.1 and 5 more transcripts); c.1761G>C, p.Arg587Ser (NM_001406620.1, NM_001406621.1, NM_001406622.1 and 2 more transcripts); c.2124G>C, p.Arg708Ser (NM_001162426.2, NM_001406597.1, NM_001406598.1 and 4 more transcripts); c.1974G>C, p.Arg658Ser (NM_001162427.2, NM_001406610.1); c.2127G>C, p.Arg709Ser (NM_001406592.1, NM_001406593.1, NM_001406594.1 and 5 more transcripts); c.2112G>C, p.Arg704Ser (NM_001406601.1, NM_001406602.1); c.2109G>C, p.Arg703Ser (NM_001406603.1, NM_001406604.1); and 3 more; short protein forms R703S, R391S, R587S, R704S, R708S, R358S, R392S, R588S.
Identifiers: ClinVar variation 1786339 (VCV001786339.3), dbSNP rs2131765779, ClinGen allele CA375360992.

ClinVar aggregate classification (germline): Uncertain significance (1 of 4 stars; one submission).

Conditions:
Hereditary cancer-predisposing syndrome. Also called: Hereditary Cancer Syndrome; Hereditary neoplastic syndrome; Neoplastic Syndromes, Hereditary; Tumor predisposition. Identifiers: Orphanet 140162, MedGen C0027672, MeSH D009386, MONDO:0015356.

Submission:

Ambry Genetics
Classification: Uncertain significance for Hereditary cancer-predisposing syndrome. Last evaluated: 2026-09-11. Review status: criteria provided, single submitter. Criteria: Ambry Variant Classification Scheme 2023. Collection method: clinical testing. Allele origin: germline.
Comment: The p.R709S variant (also known as c.2127G>C), located in coding exon 15 of the TSC1 gene, results from a G to C substitution at nucleotide position 2127. The arginine at codon 709 is replaced by serine, an amino acid with dissimilar properties. This amino acid position is conserved. In addition, this alteration is predicted to be deleterious by in silico analysis. Based on the available evidence, the clinical significance of this variant remains unclear.